The following is an entry in ClinVar:

NM_006129.5(BMP1):c.1180+228A>G

Gene: BMP1 (bone morphogenetic protein 1; plus strand). Cytogenetic location: 8p21.3.
Variant type: single nucleotide variant.
Coding change: c.1180+228A>G on transcript NM_006129.5 (MANE Select); 228 bases into the intron after coding-DNA position 1180, A replaced by G.
Molecular consequence: intron variant.
Genome position (GRCh38, 1-based): chr8:22,192,379, A>G. VCF-style: chr8-22192379-A-G. GRCh37 (hg19) VCF-style: chr8-22049892-A-G.
Other names: c.1180+228A>G (NM_001199.4).
Identifiers: ClinVar variation 680905 (VCV000680905.2), dbSNP rs3924229, ClinGen allele CA173464759.

ClinVar aggregate classification (germline): Benign. Review status: criteria provided, multiple submitters, no conflicts (2 of 4 stars). 2 submissions from 2 submitters: Benign (2). Last evaluated 2018-06-14.

Allele frequency attached by ClinVar (database versions not stated): gnomAD exomes 0.12138; 1000 Genomes Project 0.15116; TOPMed 0.15138; gnomAD 0.15387 and 0.15676; 1000 Genomes Project 30x 0.15615.
gnomAD v4.1: 60,013 of 452,978 alleles (13%); highest among the groups gnomAD compares: African/African-American, 25%; 4,553 homozygotes.

Submissions (2):

GeneDx
Classification: Benign. Last evaluated: 2018-06-14. Review status: criteria provided, single submitter. Criteria: GeneDx Variant Classification (06012015). Collection method: clinical testing. Allele origin: germline. Affected: yes.
Comment: This variant is considered likely benign or benign based on one or more of the following criteria: it is a conservative change, it occurs at a poorly conserved position in the protein, it is predicted to be benign by multiple in silico algorithms, and/or has population frequency not consistent with disease.

Breakthrough Genomics
Classification: Benign. Review status: criteria provided, single submitter. Criteria: ACMG Guidelines, 2015. Collection method: not provided. Allele origin: germline. Inheritance: Autosomal recessive inheritance. Affected: yes.